The following is an entry in ClinVar:

NM_020859.4(SHROOM3):c.4581C>T (p.Pro1527=)

Genes: SHROOM3 (shroom family member 3; plus strand), SHROOM3-AS1 (SHROOM3 antisense RNA 1; minus strand). Cytogenetic location: 4q21.1.
Variant type: single nucleotide variant.
Coding change: c.4581C>T on transcript NM_020859.4 (MANE Select); coding-DNA position 4581, C replaced by T.
Protein change: p.Pro1527=; no amino-acid change (proline 1527 retained).
Molecular consequence: synonymous variant.
Genome position (GRCh38, 1-based): chr4:76,755,064, C>T. VCF-style: chr4-76755064-C-T. GRCh37 (hg19) VCF-style: chr4-77676217-C-T.
Identifiers: ClinVar variation 3040757 (VCV003040757.2), dbSNP rs2476073957, ClinGen allele CA439958746.

ClinVar aggregate classification (germline): Likely benign (0 of 4 stars; one submission).

Conditions:
SHROOM3-related disorder. Also called: SHROOM3-related condition.

Submission:

PreventionGenetics, part of Exact Sciences
Classification: Likely benign for SHROOM3-related condition. Last evaluated: 2019-09-18. Review status: no assertion criteria provided. Collection method: clinical testing. Allele origin: germline.
Comment: This variant is classified as likely benign based on ACMG/AMP sequence variant interpretation guidelines (Richards et al. 2015 PMID: 25741868, with internal and published modifications).